The following is an entry in ClinVar:

ClinVar aggregate classification (germline): Uncertain significance (1 of 4 stars; one submission).

Submission:

Women's Health and Genetics/Laboratory Corporation of America, LabCorp
Classification: Uncertain significance. Last evaluated: 2024-07-26. Review status: criteria provided, single submitter. Criteria: LabCorp Variant Classification Summary - May 2015. Collection method: clinical testing. Allele origin: germline.
Comment: Variant summary: PGK1 c.222C>A (p.Asp74Glu) results in a conservative amino acid change in the encoded protein sequence. Four of five in-silico tools predict a benign effect of the variant on protein function. The variant was absent in 183444 control chromosomes. The available data on variant occurrences in the general population are insufficient to allow any conclusion about variant significance. To our knowledge, no occurrence of c.222C>A in individuals affected with Glycogen Storage Disease Due To Phosphoglycerate Kinase 1 Deficiency and no experimental evidence demonstrating its impact on protein function have been reported. No submitters have cited clinical-significance assessments for this variant to ClinVar. Based on the evidence outlined above, the variant was classified as uncertain significance.

NM_000291.4(PGK1):c.222C>A (p.Asp74Glu)

Gene: PGK1 (phosphoglycerate kinase 1; plus strand). Cytogenetic location: Xq21.1.
Variant type: single nucleotide variant.
Coding change: c.222C>A on transcript NM_000291.4 (MANE Select); coding-DNA position 222, C replaced by A.
Protein change: p.Asp74Glu; replaces aspartic acid 74 with glutamic acid.
Molecular consequence: missense variant.
Genome position (GRCh38, 1-based): chrX:78,113,849, C>A. VCF-style: chrX-78113849-C-A. GRCh37 (hg19) VCF-style: chrX-77369346-C-A.
Other names: short protein forms D74E.
Identifiers: ClinVar variation 3339325 (VCV003339325.1).